The following is an entry in ClinVar:

ClinVar aggregate classification (germline): Uncertain significance (1 of 4 stars; one submission).

Conditions:
Autosomal recessive limb-girdle muscular dystrophy type 2Q (LGMDR17). Also called: MUSCULAR DYSTROPHY, LIMB-GIRDLE, AUTOSOMAL RECESSIVE 17. Identifiers: Orphanet 254361, MedGen C3150989, MONDO:0013390, OMIM 613723.
Epidermolysis bullosa simplex 5B, with muscular dystrophy (EBS5B). Also called: EPIDERMOLYSIS BULLOSA SIMPLEX AND LIMB-GIRDLE MUSCULAR DYSTROPHY; Epidermolysis bullosa simplex with muscular dystrophy. Identifiers: Orphanet 257, MedGen C2931072, MONDO:0009181, OMIM 226670.
Epidermolysis bullosa simplex, Ogna type (EBS5A). Also called: Pidermolysis bullosa simplex 5A, Ogna type; EPIDERMOLYSIS BULLOSA SIMPLEX 5A, OGNA TYPE. Identifiers: Orphanet 79401, MedGen C0432317, MONDO:0007555, OMIM 131950.
Epidermolysis bullosa simplex with nail dystrophy (EBS5D). Identifiers: MedGen C4225309, MONDO:0014661, OMIM 616487.
Epidermolysis bullosa simplex 5C, with pyloric atresia (EBS5C). Also called: Epidermolysis bullosa simplex with pyloric atresia; PLEC1-Related Epidermolysis Bullosa with Pyloric Atresia; PLEC-Related Epidermolysis Bullosa with Pyloric Atresia. Identifiers: Orphanet 158684, MedGen C2677349, MONDO:0012807, OMIM 612138.

gnomAD v4.1: 1 of 1,545,472 alleles (0.000065%); highest among the groups gnomAD compares: South Asian, 0.0012%; no homozygotes.

Submission:

Labcorp Genetics (formerly Invitae), Labcorp
Classification: Uncertain significance for Autosomal recessive limb-girdle muscular dystrophy type 2Q; Epidermolysis bullosa simplex, Ogna type; Epidermolysis bullosa simplex with nail dystrophy; Epidermolysis bullosa simplex 5C, with pyloric atresia; Epidermolysis bullosa simplex 5B, with muscular dystrophy. Last evaluated: 2021-09-29. Review status: criteria provided, single submitter. Criteria: Invitae Variant Classification Sherloc (09022015). Collection method: clinical testing. Allele origin: germline.
Comment: This sequence change replaces glutamic acid with glutamine at codon 1838 of the PLEC protein (p.Glu1838Gln). The glutamic acid residue is highly conserved and there is a small physicochemical difference between glutamic acid and glutamine. The frequency data for this variant in the population databases is considered unreliable, as metrics indicate insufficient coverage at this position in the ExAC database. This variant has not been reported in the literature in individuals affected with PLEC-related conditions. Algorithms developed to predict the effect of missense changes on protein structure and function are either unavailable or do not agree on the potential impact of this missense change (SIFT: "Deleterious"; PolyPhen-2: "Not Available"; Align-GVGD: "Class C25"). In summary, the available evidence is currently insufficient to determine the role of this variant in disease. Therefore, it has been classified as a Variant of Uncertain Significance.

NM_201384.3(PLEC):c.5431G>C (p.Glu1811Gln)

Gene: PLEC (plectin; minus strand). Cytogenetic location: 8q24.3.
Variant type: single nucleotide variant.
Coding change: c.5431G>C on transcript NM_201384.3 (MANE Select); coding-DNA position 5431, G replaced by C.
Protein change: p.Glu1811Gln; replaces glutamic acid 1811 with glutamine.
Molecular consequence: missense variant.
Genome position (GRCh38, 1-based): chr8:143,924,498, C>G on the plus strand (G>C on the coding strand, the complement: PLEC is on the minus strand). VCF-style: chr8-143924498-C-G. GRCh37 (hg19) VCF-style: chr8-144998666-C-G.
Other names: c.5512G>C, p.Glu1838Gln (NM_000445.5); c.5389G>C, p.Glu1797Gln (NM_201378.4); c.5365G>C, p.Glu1789Gln (NM_201379.3); c.5842G>C, p.Glu1948Gln (NM_201380.4); c.5335G>C, p.Glu1779Gln (NM_201381.3); c.5431G>C, p.Glu1811Gln (NM_201382.4); c.5443G>C, p.Glu1815Gln (NM_201383.3); short protein forms E1797Q, E1779Q, E1815Q, E1838Q, E1789Q, E1948Q, E1811Q.
Identifiers: ClinVar variation 1478212 (VCV001478212.6), dbSNP rs2131402601, ClinGen allele CA372545218.